The following is an entry in ClinVar:

NM_000044.6(AR):c.2696T>C (p.Ile899Thr)

Gene: AR (androgen receptor; plus strand). Cytogenetic location: Xq12.
Variant type: single nucleotide variant.
Coding change: c.2696T>C on transcript NM_000044.6 (MANE Select); coding-DNA position 2696, T replaced by C.
Protein change: p.Ile899Thr; replaces isoleucine 899 with threonine.
Molecular consequence: missense variant.
Genome position (GRCh38, 1-based): chrX:67,723,774, T>C. VCF-style: chrX-67723774-T-C. GRCh37 (hg19) VCF-style: chrX-66943616-T-C.
Other names: c.1100T>C, p.Ile367Thr (NM_001011645.3); short protein forms I899T, I367T.
Identifiers: ClinVar variation 464800 (VCV000464800.8), dbSNP rs1555998105, ClinGen allele CA413428357.

ClinVar aggregate classification (germline): Likely pathogenic (1 of 4 stars; one submission).

Conditions:
Androgen resistance syndrome (AIS). Also called: Androgen insensitivity, complete; Androgen insensitivity syndrome; DHTR DEFICIENCY; ANDROGEN RECEPTOR DEFICIENCY; DIHYDROTESTOSTERONE RECEPTOR DEFICIENCY; TESTICULAR FEMINIZATION SYNDROME. Identifiers: Orphanet 754, Orphanet 99429, MedGen C0039585, MONDO:0019154, OMIM 300068. Disease mechanism: loss of function.
Kennedy disease (SMAX1). Also called: Spinal and Bulbar Muscular Atrophy; SPINAL AND BULBAR MUSCULAR ATROPHY, X-LINKED 1; KENNEDY SPINAL AND BULBAR MUSCULAR ATROPHY. Identifiers: Orphanet 481, MedGen C1839259, MONDO:0010735, OMIM 313200.

Submission:

Labcorp Genetics (formerly Invitae), Labcorp
Classification: Likely pathogenic for Kennedy disease; Androgen resistance syndrome. Last evaluated: 2024-02-23. Review status: criteria provided, single submitter. Criteria: Invitae Variant Classification Sherloc (09022015). Collection method: clinical testing. Allele origin: germline.
Comment: This sequence change replaces isoleucine, which is neutral and non-polar, with threonine, which is neutral and polar, at codon 899 of the AR protein (p.Ile899Thr). This variant is not present in population databases (gnomAD no frequency). This missense change has been observed in individual(s) with androgen insensitivity syndrome (PMID: 9627582, 22334387, 32985417). In at least one individual the variant was observed to be de novo. This variant is also known as p.Ile898Thr. ClinVar contains an entry for this variant (Variation ID: 464800). Advanced modeling of protein sequence and biophysical properties (such as structural, functional, and spatial information, amino acid conservation, physicochemical variation, residue mobility, and thermodynamic stability) has been performed at Invitae for this missense variant, however the output from this modeling did not meet the statistical confidence thresholds required to predict the impact of this variant on AR protein function. This variant disrupts the p.Ile899 amino acid residue in AR. Other variant(s) that disrupt this residue have been determined to be pathogenic (PMID: 12843171, 29237170). This suggests that this residue is clinically significant, and that variants that disrupt this residue are likely to be disease-causing. In summary, the currently available evidence indicates that the variant is pathogenic, but additional data are needed to prove that conclusively. Therefore, this variant has been classified as Likely Pathogenic.

Literature cited by the submitters: PubMed 9627582; PubMed 22334387; PubMed 32985417; PubMed 12843171; PubMed 29237170.